The following is an entry in ClinVar:

NM_000062.3(SERPING1):c.1442T>G (p.Leu481Arg)

Gene: SERPING1 (serpin family G member 1; plus strand). Cytogenetic location: 11q12.1.
Variant type: single nucleotide variant.
Coding change: c.1442T>G on transcript NM_000062.3 (MANE Select); coding-DNA position 1442, T replaced by G.
Protein change: p.Leu481Arg; replaces leucine 481 with arginine.
Molecular consequence: missense variant.
Genome position (GRCh38, 1-based): chr11:57,614,520, T>G. VCF-style: chr11-57614520-T-G. GRCh37 (hg19) VCF-style: chr11-57381993-T-G.
Other names: c.1442T>G, p.Leu481Arg (NM_001032295.2); short protein forms L481R.
Identifiers: ClinVar variation 2735620 (VCV002735620.3), dbSNP rs2495458532, ClinGen allele CA380690837.

ClinVar aggregate classification (germline): Uncertain significance (1 of 4 stars; one submission).

Submission:

Labcorp Genetics (formerly Invitae), Labcorp
Classification: Uncertain significance. Last evaluated: 2023-11-28. Review status: criteria provided, single submitter. Criteria: Invitae Variant Classification Sherloc (09022015). Collection method: clinical testing. Allele origin: germline.
Comment: This sequence change replaces leucine, which is neutral and non-polar, with arginine, which is basic and polar, at codon 481 of the SERPING1 protein (p.Leu481Arg). This variant is not present in population databases (gnomAD no frequency). This missense change has been observed in individual(s) with hereditary angioedema (PMID: 7814636). Advanced modeling of protein sequence and biophysical properties (such as structural, functional, and spatial information, amino acid conservation, physicochemical variation, residue mobility, and thermodynamic stability) performed at Invitae indicates that this missense variant is expected to disrupt SERPING1 protein function with a positive predictive value of 80%. In summary, the available evidence is currently insufficient to determine the role of this variant in disease. Therefore, it has been classified as a Variant of Uncertain Significance.

Literature cited by the submitters: PubMed 7814636.